The following is an entry in ClinVar:

NM_001148.6(ANK2):c.1423G>A (p.Gly475Arg)

Gene: ANK2 (ankyrin 2; plus strand). Cytogenetic location: 4q26.
Variant type: single nucleotide variant.
Coding change: c.1423G>A on transcript NM_001148.6 (MANE Select); coding-DNA position 1423, G replaced by A.
Protein change: p.Gly475Arg; replaces glycine 475 with arginine.
Molecular consequence: missense variant.
Genome position (GRCh38, 1-based): chr4:113,264,933, G>A. VCF-style: chr4-113264933-G-A. GRCh37 (hg19) VCF-style: chr4-114186089-G-A.
Other names: c.1423G>A (LRG_327t1); c.1360G>A, p.Gly454Arg (NM_001127493.3, NM_001354239.2, NM_001354243.2 and 14 more transcripts); c.1423G>A, p.Gly475Arg (NM_001354225.2, NM_001354228.2, NM_001354232.2 and 8 more transcripts); c.1468G>A, p.Gly490Arg (NM_001354230.2, NM_001354231.2, NM_001354237.2 and 5 more transcripts); c.1336G>A, p.Gly446Arg (NM_001354249.2, NM_001354271.2, NM_001354274.2 and 13 more transcripts); c.1225G>A, p.Gly409Arg (NM_001354273.2); c.1138G>A, p.Gly380Arg (NM_001354277.2, NM_001386157.1, NM_001386158.1); c.1381G>A, p.Gly461Arg (NM_001386160.1, NM_001354261.2, NM_001386147.1); and 5 more; short protein forms G454R, G475R, G405R, G380R, G490R, G446R, G461R, G409R.
Identifiers: ClinVar variation 67604 (VCV000067604.8), dbSNP rs36210415, ClinGen allele CA145045.

ClinVar aggregate classification (germline): Uncertain significance. Review status: criteria provided, multiple submitters, no conflicts (2 of 4 stars). 4 submissions from 4 submitters: Uncertain significance (3). 1 of the submissions does not count toward it. Last evaluated 2024-02-29.

Conditions:
Cardiovascular phenotype. Identifiers: MedGen CN230736.
Torsades de pointes. Also called: Torsade de pointes. Identifiers: MedGen C0040479, MONDO:0005478, HP:0001664.
Cardiac arrhythmia, ankyrin-B-related. Also called: ANKYRIN-B SYNDROME. Identifiers: Orphanet 101016, Orphanet 768, MedGen C1970119, MONDO:0010958, OMIM 600919.
Long QT syndrome (LQTS). Identifiers: MedGen C0023976, MeSH D008133, MONDO:0002442. Disease mechanism: loss of function. Inheritance: Various modes of inheritance.

Allele frequency attached by ClinVar (database versions not stated): TOPMed 0.00006; ESP Exome Variant Server 0.00008; ExAC 0.00012; gnomAD exomes 0.00002; gnomAD 0.00005 and 0.00006.
gnomAD v4.1: 40 of 1,568,656 alleles (0.0025%); highest among the groups gnomAD compares: African/African-American, 0.004%; no homozygotes.

Submissions (4):

Labcorp Genetics (formerly Invitae), Labcorp
Classification: Uncertain significance for Long QT syndrome. Last evaluated: 2024-02-29. Review status: criteria provided, single submitter. Criteria: Invitae Variant Classification Sherloc (09022015). Collection method: clinical testing. Allele origin: germline.
Comment: This sequence change replaces glycine, which is neutral and non-polar, with arginine, which is basic and polar, at codon 475 of the ANK2 protein (p.Gly475Arg). The frequency data for this variant in the population databases is considered unreliable, as metrics indicate poor data quality at this position in the gnomAD database. This variant has not been reported in the literature in individuals affected with ANK2-related conditions. ClinVar contains an entry for this variant (Variation ID: 67604). Advanced modeling of protein sequence and biophysical properties (such as structural, functional, and spatial information, amino acid conservation, physicochemical variation, residue mobility, and thermodynamic stability) performed at Invitae indicates that this missense variant is not expected to disrupt ANK2 protein function with a negative predictive value of 80%. In summary, the available evidence is currently insufficient to determine the role of this variant in disease. Therefore, it has been classified as a Variant of Uncertain Significance.

Ambry Genetics
Classification: Uncertain significance for Cardiovascular phenotype. Last evaluated: 2023-02-16. Review status: criteria provided, single submitter. Criteria: Ambry General Variant Classification Scheme_2022. Collection method: clinical testing. Allele origin: germline.
Comment: The p.G475R variant (also known as c.1423G>A), located in coding exon 14 of the ANK2 gene, results from a G to A substitution at nucleotide position 1423. The glycine at codon 475 is replaced by arginine, an amino acid with dissimilar properties. This variant was reported in a torsades des pointes cohort; however, clinical details were limited (Mank-Seymour AR et al. Am. Heart J., 2006 Dec;152:1116-22). This amino acid position is highly conserved in available vertebrate species. In addition, the in silico prediction for this alteration is inconclusive. Since supporting evidence is limited at this time, the clinical significance of this alteration remains unclear.

Illumina Laboratory Services, Illumina
Classification: Uncertain significance for Cardiac arrhythmia, ankyrin-B-related. Last evaluated: 2018-01-12. Review status: criteria provided, single submitter. Criteria: ICSL Variant Classification Criteria 13 December 2019. Collection method: clinical testing. Allele origin: germline.

Cardiovascular Biomedical Research Unit, Royal Brompton & Harefield NHS Foundation Trust
No classification provided. Condition: Torsades de pointes. Review status: no classification provided. Collection method: literature only. Allele origin: germline. Not counted in ClinVar's aggregate classification.
Comment: This variant has been reported as associated with torsades de pointes in the following publications (PMID:17161064). This is a literature report, and does not necessarily reflect the clinical interpretation of the Imperial College / Royal Brompton Cardiovascular Genetics laboratory.

Literature cited by the submitters: PubMed 17161064 (cited by Ambry Genetics and Cardiovascular Biomedical Research Unit, Royal Brompton & Harefield NHS Foundation Trust); PubMed 22581653 (cited by Cardiovascular Biomedical Research Unit, Royal Brompton & Harefield NHS Foundation Trust).